The following is an entry in ClinVar:

NM_181882.3(PRX):c.185-167C>T

Gene: PRX (periaxin; minus strand). Cytogenetic location: 19q13.2.
Variant type: single nucleotide variant.
Coding change: c.185-167C>T on transcript NM_181882.3 (MANE Select); 167 bases into the intron before coding-DNA position 185, C replaced by T.
Molecular consequence: intron variant.
Genome position (GRCh38, 1-based): chr19:40,398,983, G>A on the plus strand (C>T on the coding strand, the complement: PRX is on the minus strand). VCF-style: chr19-40398983-G-A. GRCh37 (hg19) VCF-style: chr19-40904890-G-A.
Other names: c.185-167C>T (NM_020956.2).
Identifiers: ClinVar variation 677037 (VCV000677037.1), dbSNP rs117182727, ClinGen allele CA308422710.

ClinVar aggregate classification (germline): Likely benign (1 of 4 stars; one submission).

Allele frequency attached by ClinVar (database versions not stated): 1000 Genomes Project 0.00280; 1000 Genomes Project 30x 0.00297; TOPMed 0.00781; gnomAD 0.00859 and 0.00882.
gnomAD v4.1: 1,275 of 149,876 alleles (0.85%); highest among the groups gnomAD compares: Non-Finnish European, 1.4%; 10 homozygotes.

Submission:

GeneDx
Classification: Likely benign. Last evaluated: 2018-06-14. Review status: criteria provided, single submitter. Criteria: GeneDx Variant Classification (06012015). Collection method: clinical testing. Allele origin: germline. Affected: yes.
Comment: This variant is considered likely benign or benign based on one or more of the following criteria: it is a conservative change, it occurs at a poorly conserved position in the protein, it is predicted to be benign by multiple in silico algorithms, and/or has population frequency not consistent with disease.